The following is an entry in ClinVar:

NM_001370259.2(MEN1):c.784-2A>T

Gene: MEN1 (menin 1; minus strand). Cytogenetic location: 11q13.1.
Variant type: single nucleotide variant.
Coding change: c.784-2A>T on transcript NM_001370259.2 (MANE Select); the canonical splice acceptor site of the intron before coding-DNA position 784, A replaced by T.
Molecular consequence: splice acceptor variant.
Genome position (GRCh38, 1-based): chr11:64,807,221, T>A on the plus strand (A>T on the coding strand, the complement: MEN1 is on the minus strand). VCF-style: chr11-64807221-T-A. GRCh37 (hg19) VCF-style: chr11-64574693-T-A.
Other names: c.799-2A>T (NM_130804.3, NM_130803.3, NM_000244.4 and 5 more transcripts); c.679-2A>T (NM_001407148.1, NM_001407149.1, NM_001407151.1 and 2 more transcripts); c.784-2A>T (NM_130799.3, NM_001407144.1, NM_001370260.2 and 7 more transcripts).
Identifiers: ClinVar variation 2852806 (VCV002852806.3), dbSNP rs1114167472, ClinGen allele CA381184029.

ClinVar aggregate classification (germline): Likely pathogenic (1 of 4 stars; one submission).

Conditions:
Multiple endocrine neoplasia, type 1 (MEN1). Also called: MEN I; WERMER SYNDROME; Endocrine adenomatosis multiple; MEN 1; MEA I. Identifiers: Orphanet 652, MedGen C0025267, MeSH D018761, MONDO:0007540, OMIM 131100.

Submission:

Labcorp Genetics (formerly Invitae), Labcorp
Classification: Likely pathogenic for Multiple endocrine neoplasia, type 1. Last evaluated: 2023-04-06. Review status: criteria provided, single submitter. Criteria: Invitae Variant Classification Sherloc (09022015). Collection method: clinical testing. Allele origin: germline.
Comment: Algorithms developed to predict the effect of sequence changes on RNA splicing suggest that this variant may disrupt the consensus splice site. In summary, the currently available evidence indicates that the variant is pathogenic, but additional data are needed to prove that conclusively. Therefore, this variant has been classified as Likely Pathogenic. Disruption of this splice site has been observed in individual(s) with clinical features of multiple endocrine neoplasia type 1 (PMID: 19596265, 24920291). This variant is not present in population databases (gnomAD no frequency). This sequence change affects an acceptor splice site in intron 4 of the MEN1 gene. It is expected to disrupt RNA splicing. Variants that disrupt the donor or acceptor splice site typically lead to a loss of protein function (PMID: 16199547), and loss-of-function variants in MEN1 are known to be pathogenic (PMID: 12112656, 17853334).

Literature cited by the submitters: PubMed 19596265; PubMed 24920291; PubMed 16199547; PubMed 12112656; PubMed 17853334.